The following is an entry in ClinVar:

ClinVar aggregate classification (germline): Conflicting classifications of pathogenicity. Review status: criteria provided, conflicting classifications (1 of 4 stars). 2 submissions from 2 submitters: Uncertain significance (1); Likely benign (1). Last evaluated 2025-03-26.

Allele frequency attached by ClinVar (database versions not stated): gnomAD exomes 0.00002; gnomAD 0.00004; TOPMed 0.00006.
gnomAD v4.1: 18 of 1,377,638 alleles (0.0013%); highest among the groups gnomAD compares: East Asian, 0.025%; no homozygotes.

Submissions (2):

Labcorp Genetics (formerly Invitae), Labcorp
Classification: Uncertain significance. Last evaluated: 2025-03-26. Review status: criteria provided, single submitter. Criteria: Invitae Variant Classification Sherloc (09022015). Collection method: clinical testing. Allele origin: germline.
Comment: This sequence change replaces alanine, which is neutral and non-polar, with threonine, which is neutral and polar, at codon 1184 of the GRIN2D protein (p.Ala1184Thr). The frequency data for this variant in the population databases is considered unreliable, as metrics indicate poor data quality at this position in the gnomAD database. This missense change has been observed in individual(s) with clinical features of GRIN2D-related conditions (PMID: 37095367). ClinVar contains an entry for this variant (Variation ID: 2766920). Invitae Evidence Modeling of protein sequence and biophysical properties (such as structural, functional, and spatial information, amino acid conservation, physicochemical variation, residue mobility, and thermodynamic stability) indicates that this missense variant is not expected to disrupt GRIN2D protein function with a negative predictive value of 95%. In summary, the available evidence is currently insufficient to determine the role of this variant in disease. Therefore, it has been classified as a Variant of Uncertain Significance.

CeGaT Center for Human Genetics Tuebingen
Classification: Likely benign. Last evaluated: 2024-03-01. Review status: criteria provided, single submitter. Criteria: CeGaT Center For Human Genetics Tuebingen Variant Classification Criteria Version 2. Collection method: clinical testing. Allele origin: germline. Affected: yes. Observed: 1 variant allele.
Comment: GRIN2D: PP2, BS2

Literature cited by the submitters: PubMed 37095367 (cited by Labcorp Genetics (formerly Invitae), Labcorp).

NM_000836.4(GRIN2D):c.3550G>A (p.Ala1184Thr)

Gene: GRIN2D (glutamate ionotropic receptor NMDA type subunit 2D; plus strand). Cytogenetic location: 19q13.33.
Variant type: single nucleotide variant.
Coding change: c.3550G>A on transcript NM_000836.4 (MANE Select); coding-DNA position 3550, G replaced by A.
Protein change: p.Ala1184Thr; replaces alanine 1184 with threonine.
Molecular consequence: missense variant.
Genome position (GRCh38, 1-based): chr19:48,443,476, G>A. VCF-style: chr19-48443476-G-A. GRCh37 (hg19) VCF-style: chr19-48946733-G-A.
Other names: short protein forms A1184T.
Identifiers: ClinVar variation 2766920 (VCV002766920.24), dbSNP rs991947073, ClinGen allele CA309299415.
Genomic context (GRCh38, chr19:48,443,476, plus strand): 5'-GGGAGCTGGGACTACCTGCCCCCGCGCAGCGGTCCGGCCGCCTGGCACTGTCGGCACTGC[G>A]CCAGCCTGGAGCTGCTGCCGCCGCCGCGCCATCTCAGCTGCTCGCACGATGGCCTGGACG-3'
Protein context (NP_000827.2, residues 1174-1194): GPAAWHCRHC[Ala1184Thr]SLELLPPPRH